The following is an entry in ClinVar:

ClinVar aggregate classification (germline): Uncertain significance. Review status: criteria provided, multiple submitters, no conflicts (2 of 4 stars). 2 submissions from 2 submitters: Uncertain significance (2). Last evaluated 2025-11-23.

Conditions:
Floating-Harbor syndrome (FLHS). Also called: Short stature with delayed bone age, expressive language delay, a triangular face with a prominent nose and deep-set eyes; Pelletier-Leisti syndrome; SRCAP-Related Floating-Harbor Syndrome. Identifiers: Orphanet 2044, MedGen C0729582, MONDO:0007621, OMIM 136140.
Developmental delay, hypotonia, musculoskeletal defects, and behavioral abnormalities. Identifiers: MedGen C5562012, MONDO:0859202, OMIM 619595.

Allele frequency attached by ClinVar (database versions not stated): gnomAD 0.00001; gnomAD exomes 0.00001 and 0.00002; TOPMed 0.00002.
gnomAD v4.1: 21 of 1,573,420 alleles (0.0013%); highest among the groups gnomAD compares: Admixed American, 0.0073%; no homozygotes.

Submissions (2):

Labcorp Genetics (formerly Invitae), Labcorp
Classification: Uncertain significance. Last evaluated: 2025-11-23. Review status: criteria provided, single submitter. Criteria: Invitae Variant Classification Sherloc (09022015). Collection method: clinical testing. Allele origin: germline.
Comment: This sequence change replaces arginine, which is basic and polar, with tryptophan, which is neutral and slightly polar, at codon 2765 of the SRCAP protein (p.Arg2765Trp). This variant is present in population databases (no rsID available, gnomAD 0.006%). This variant has not been reported in the literature in individuals affected with SRCAP-related conditions. ClinVar contains an entry for this variant (Variation ID: 1481029). Invitae Evidence Modeling of protein sequence and biophysical properties (such as structural, functional, and spatial information, amino acid conservation, physicochemical variation, residue mobility, and thermodynamic stability) indicates that this missense variant is not expected to disrupt SRCAP protein function with a negative predictive value of 80%. In summary, the available evidence is currently insufficient to determine the role of this variant in disease. Therefore, it has been classified as a Variant of Uncertain Significance.

Fulgent Genetics
Classification: Uncertain significance for Floating-Harbor syndrome; Developmental delay, hypotonia, musculoskeletal defects, and behavioral abnormalities. Last evaluated: 2024-04-05. Review status: criteria provided, single submitter. Criteria: ACMG Guidelines, 2015. Collection method: clinical testing. Allele origin: germline.

NM_006662.3(SRCAP):c.8293C>T (p.Arg2765Trp)

Gene: SRCAP (Snf2 related CREBBP activator protein; plus strand). Cytogenetic location: 16p11.2.
Variant type: single nucleotide variant.
Coding change: c.8293C>T on transcript NM_006662.3 (MANE Select); coding-DNA position 8293, C replaced by T.
Protein change: p.Arg2765Trp; replaces arginine 2765 with tryptophan.
Molecular consequence: missense variant.
Genome position (GRCh38, 1-based): chr16:30,738,333, C>T. VCF-style: chr16-30738333-C-T. GRCh37 (hg19) VCF-style: chr16-30749654-C-T.
Other names: short protein forms R2765W.
Identifiers: ClinVar variation 1481029 (VCV001481029.7), dbSNP rs1325039601, ClinGen allele CA395637000.